The following is an entry in ClinVar:

ClinVar aggregate classification (germline): Uncertain significance (1 of 4 stars; one submission).

Allele frequency attached by ClinVar (database versions not stated): gnomAD exomes below 0.00001; ExAC 0.00001; gnomAD 0.00001; 1000 Genomes Project 30x 0.00016; 1000 Genomes Project 0.00020.
gnomAD v4.1: 7 of 1,613,658 alleles (0.00043%); highest among the groups gnomAD compares: South Asian, 0.0055%; no homozygotes.

Submission:

Labcorp Genetics (formerly Invitae), Labcorp
Classification: Uncertain significance. Last evaluated: 2023-08-23. Review status: criteria provided, single submitter. Criteria: Invitae Variant Classification Sherloc (09022015). Collection method: clinical testing. Allele origin: germline.
Comment: In summary, the available evidence is currently insufficient to determine the role of this variant in disease. Therefore, it has been classified as a Variant of Uncertain Significance. An algorithm developed to predict the effect of missense changes on protein structure and function (PolyPhen-2) suggests that this variant is likely to be disruptive. This sequence change replaces leucine, which is neutral and non-polar, with valine, which is neutral and non-polar, at codon 468 of the SPPL2A protein (p.Leu468Val). This variant has not been reported in the literature in individuals affected with SPPL2A-related conditions. This variant is present in population databases (rs574519922, gnomAD 0.007%).

NM_032802.4(SPPL2A):c.1402T>G (p.Leu468Val)

Gene: SPPL2A (signal peptide peptidase like 2A; minus strand). Cytogenetic location: 15q21.2.
Variant type: single nucleotide variant.
Coding change: c.1402T>G on transcript NM_032802.4 (MANE Select); coding-DNA position 1402, T replaced by G.
Protein change: p.Leu468Val; replaces leucine 468 with valine.
Molecular consequence: missense variant.
Genome position (GRCh38, 1-based): chr15:50,720,026, A>C on the plus strand (T>G on the coding strand, the complement: SPPL2A is on the minus strand). VCF-style: chr15-50720026-A-C. GRCh37 (hg19) VCF-style: chr15-51012223-A-C.
Other names: short protein forms L468V.
Identifiers: ClinVar variation 3001974 (VCV003001974.3), dbSNP rs574519922, ClinGen allele CA7558198.
Genomic context (GRCh38, chr15:50,720,026, plus strand): 5'-TTTTCATTTCCTTACGTCTCCAGGCAACAACTGAGGCAGTAATAAGTGTGCAAGGTACTA[A>C]ATAGAGGAGAGCAGGTTGCCCCTTTTTCATCAGCACCAGAACAACAAATGTAAGTATCAT-3'
Protein context (NP_116191.2, residues 458-478): MKKGQPALLY[Leu468Val]VPCTLITASV